The following is an entry in ClinVar:

NM_002465.4(MYBPC1):c.3215C>T (p.Thr1072Ile)

Gene: MYBPC1 (myosin binding protein C1; plus strand). Cytogenetic location: 12q23.2.
Variant type: single nucleotide variant.
Coding change: c.3215C>T on transcript NM_002465.4 (MANE Select); coding-DNA position 3215, C replaced by T.
Protein change: p.Thr1072Ile; replaces threonine 1072 with isoleucine.
Molecular consequence: missense variant.
Genome position (GRCh38, 1-based): chr12:101,678,207, C>T. VCF-style: chr12-101678207-C-T. GRCh37 (hg19) VCF-style: chr12-102071985-C-T.
Other names: c.3194C>T, p.Thr1065Ile (NM_001254718.3, NM_206820.4); c.3140C>T, p.Thr1047Ile (NM_001254719.3, NM_206821.4); c.3104C>T, p.Thr1035Ile (NM_001254720.3); c.3083C>T, p.Thr1028Ile (NM_001254721.3, NM_001404676.1, NM_001404678.1); c.3062C>T, p.Thr1021Ile (NM_001254722.3, NM_001404680.1); c.3101C>T, p.Thr1034Ile (NM_001254723.3); c.3215C>T, p.Thr1072Ile (NM_001404675.1, NM_206819.4); c.3005C>T, p.Thr1002Ile (NM_001404677.1, NM_001404679.1, NM_001404681.1); short protein forms T1028I, T1035I, T1021I, T1034I, T1065I, T1002I, T1047I, T1072I.
Identifiers: ClinVar variation 5010111 (VCV005010111.1).

ClinVar aggregate classification (germline): Uncertain significance (1 of 4 stars; one submission).

Submission:

GeneDx
Classification: Uncertain significance. Last evaluated: 2026-02-24. Review status: criteria provided, single submitter. Criteria: GeneDx Variant Classification Process June 2021. Collection method: clinical testing. Allele origin: germline.
Comment: Not observed at significant frequency in large population cohorts (gnomAD); In silico analysis supports that this missense variant has a deleterious effect on protein structure/function; Has not been previously published as pathogenic or benign to our knowledge